The following is an entry in ClinVar:

ClinVar aggregate classification (germline): Uncertain significance (1 of 4 stars; one submission).

Conditions:
Nephronophthisis. Also called: Juvenile Nephronophthisis. Identifiers: Orphanet 655, MedGen C0687120, MONDO:0019005, HP:0000090.

Allele frequency attached by ClinVar (database versions not stated): gnomAD exomes below 0.00001; ExAC 0.00002.
gnomAD v4.1: 3 of 1,612,196 alleles (0.00019%); highest among the groups gnomAD compares: African/African-American, 0.0013%; no homozygotes.

Submission:

Labcorp Genetics (formerly Invitae), Labcorp
Classification: Uncertain significance for Nephronophthisis. Last evaluated: 2022-08-08. Review status: criteria provided, single submitter. Criteria: Invitae Variant Classification Sherloc (09022015). Collection method: clinical testing. Allele origin: germline.
Comment: This sequence change replaces arginine, which is basic and polar, with glycine, which is neutral and non-polar, at codon 473 of the NPHP4 protein (p.Arg473Gly). This variant is present in population databases (rs765055218, gnomAD 0.002%). This variant has not been reported in the literature in individuals affected with NPHP4-related conditions. Algorithms developed to predict the effect of missense changes on protein structure and function output the following: SIFT: "Tolerated"; PolyPhen-2: "Benign"; Align-GVGD: "Class C0". The glycine amino acid residue is found in multiple mammalian species, which suggests that this missense change does not adversely affect protein function. In summary, the available evidence is currently insufficient to determine the role of this variant in disease. Therefore, it has been classified as a Variant of Uncertain Significance.

NM_015102.5(NPHP4):c.1417A>G (p.Arg473Gly)

Gene: NPHP4 (nephrocystin 4; minus strand). Cytogenetic location: 1p36.31.
Variant type: single nucleotide variant.
Coding change: c.1417A>G on transcript NM_015102.5 (MANE Select); coding-DNA position 1417, A replaced by G.
Protein change: p.Arg473Gly; replaces arginine 473 with glycine.
Molecular consequence: missense variant. On other transcripts: synonymous variant (2), non-coding transcript variant (1).
Genome position (GRCh38, 1-based): chr1:5,927,673, T>C on the plus strand (A>G on the coding strand, the complement: NPHP4 is on the minus strand). VCF-style: chr1-5927673-T-C. GRCh37 (hg19) VCF-style: chr1-5987733-T-C.
Other names: c.51A>G, p.Pro17= (NM_001291593.2, NM_001291594.2); short protein forms R473G.
Identifiers: ClinVar variation 1990747 (VCV001990747.1), dbSNP rs765055218, ClinGen allele CA554527.